The following is an entry in ClinVar:

ClinVar aggregate classification (germline): Likely benign. Review status: criteria provided, single submitter (1 of 4 stars). 2 submissions from 1 submitter: Likely benign (2). Last evaluated 2018-01-13.

Conditions:
Charcot-Marie-Tooth disease type 4C (CMT4C). Also called: CHARCOT-MARIE-TOOTH DISEASE, DEMYELINATING, AUTOSOMAL RECESSIVE, TYPE 4C; CMT 4C; Charcot-Marie-Tooth Neuropathy Type 4C (CMT4C); CHARCOT-MARIE-TOOTH DISEASE, DEMYELINATING, TYPE 4C; SH3TC2-Related Hereditary Motor and Sensory Neuropathy. Identifiers: Orphanet 99949, MedGen C1866636, MONDO:0011113, OMIM 601596.
Susceptibility to mononeuropathy of the median nerve, mild. Also called: CARPAL TUNNEL SYNDROME, SUSCEPTIBILITY TO. Identifiers: MedGen C3150596, MONDO:0013237, OMIM 613353.

Allele frequency attached by ClinVar (database versions not stated): TOPMed 0.00009; 1000 Genomes Project 30x 0.00156; 1000 Genomes Project 0.00160.
gnomAD v4.1: 48 of 152,058 alleles (0.032%); highest among the groups gnomAD compares: Middle Eastern, 0.68%; no homozygotes.

Submissions (2):

Illumina Laboratory Services, Illumina
Classification: Likely benign for Susceptibility to mononeuropathy of the median nerve, mild. Last evaluated: 2018-01-13. Review status: criteria provided, single submitter. Criteria: ICSL Variant Classification Criteria 13 December 2019. Collection method: clinical testing. Allele origin: germline.
Comment: This variant was observed in the ICSL laboratory as part of a predisposition screen in an ostensibly healthy population. It had not been previously curated by ICSL or reported in the Human Gene Mutation Database (HGMD: prior to June 1st, 2018), and was therefore a candidate for classification through an automated scoring system. Utilizing variant allele frequency, disease prevalence and penetrance estimates, and inheritance mode, an automated score was calculated to assess if this variant is too frequent to cause the disease. Based on the score and internal cut-off values, a variant classified as likely benign is not then subjected to further curation. The score for this variant resulted in a classification of likely benign for this disease.

Illumina Laboratory Services, Illumina
Classification: Likely benign for Charcot-Marie-Tooth disease type 4C. Last evaluated: 2018-01-13. Review status: criteria provided, single submitter. Criteria: ICSL Variant Classification Criteria 13 December 2019. Collection method: clinical testing. Allele origin: germline.
Comment: the same text as in the submission from Illumina Laboratory Services, Illumina above.

NM_024577.4(SH3TC2):c.*22035G>A

Gene: SH3TC2 (SH3 domain and tetratricopeptide repeats 2; minus strand). Cytogenetic location: 5q32.
Variant type: single nucleotide variant.
Coding change: c.*22035G>A on transcript NM_024577.4 (MANE Select); 22035 bases downstream of the stop codon, G replaced by A.
Molecular consequence: 3 prime UTR variant.
Genome position (GRCh38, 1-based): chr5:148,982,676, C>T on the plus strand (G>A on the coding strand, the complement: SH3TC2 is on the minus strand). VCF-style: chr5-148982676-C-T. GRCh37 (hg19) VCF-style: chr5-148362239-C-T.
Identifiers: ClinVar variation 351570 (VCV000351570.5), dbSNP rs544954149, ClinGen allele CA10619383.